The following is an entry in ClinVar:

NM_001370466.1(NOD2):c.-8-2171G>A

Gene: NOD2 (nucleotide binding oligomerization domain containing 2; plus strand). Cytogenetic location: 16q12.1.
Variant type: single nucleotide variant.
Coding change: c.-8-2171G>A on transcript NM_001370466.1 (MANE Select); 2171 bases into the intron before 8 bases upstream of the start codon, G replaced by A.
Molecular consequence: intron variant. On other transcripts: splice donor variant (1).
Genome position (GRCh38, 1-based): chr16:50,697,317, G>A. VCF-style: chr16-50697317-G-A. GRCh37 (hg19) VCF-style: chr16-50731228-G-A.
Other names: c.73+1G>A (NM_022162.3).
Identifiers: ClinVar variation 1060229 (VCV001060229.8), dbSNP rs571559366, ClinGen allele CA8051173.

ClinVar aggregate classification (germline): Conflicting classifications of pathogenicity. Review status: criteria provided, conflicting classifications (1 of 4 stars). 2 submissions from 2 submitters: Uncertain significance (1); Likely benign (1). Last evaluated 2026-02-14.

Conditions:
Blau syndrome (BLAUS). Also called: GRANULOMATOSIS, FAMILIAL JUVENILE SYSTEMIC; GRANULOMATOSIS, FAMILIAL, BLAU TYPE; GRANULOMATOUS INFLAMMATORY ARTHRITIS, DERMATITIS, AND UVEITIS, FAMILIAL; JABS SYNDROME; ARTHROCUTANEOUVEAL GRANULOMATOSIS. Identifiers: Orphanet 90340, MedGen C5201146, MONDO:0008523, OMIM 186580.
Regional enteritis. Also called: Enteritis, Granulomatous. Identifiers: MedGen C0678202, MeSH D003424.

Allele frequency attached by ClinVar (database versions not stated): gnomAD 0.00001; gnomAD exomes 0.00002; ExAC 0.00009; 1000 Genomes Project 30x 0.00016; 1000 Genomes Project 0.00020.
gnomAD v4.1: 17 of 1,555,868 alleles (0.0011%); highest among the groups gnomAD compares: South Asian, 0.019%; no homozygotes.

Submissions (2):

Centre for Medical Genetics,  Mumbai
Classification: Likely benign for Blau syndrome. Last evaluated: 2026-02-14. Review status: criteria provided, single submitter. Criteria: ACMG Guidelines, 2015. Collection method: provider interpretation. Allele origin: germline. Inheritance: Autosomal dominant inheritance. Affected: no. Observed: 1 variant allele, 1 heterozygote.
Comment: The variant satisfies PM2 criteria - extremely low frequency in gnomAD population databases. However, the variant satisfies BS2 criteria - present in heterozygous state in an individual that clinically does not have Blau syndrome.

Labcorp Genetics (formerly Invitae), Labcorp
Classification: Uncertain significance for Regional enteritis; Blau syndrome. Last evaluated: 2024-12-24. Review status: criteria provided, single submitter. Criteria: Invitae Variant Classification Sherloc (09022015). Collection method: clinical testing. Allele origin: germline.
Comment: This sequence change affects a donor splice site in intron 1 of the NOD2 gene. It is expected to disrupt RNA splicing. Variants that disrupt the donor or acceptor splice site typically lead to a loss of protein function (PMID: 16199547), however the current clinical and genetic evidence is not sufficient to establish whether loss-of-function variants in NOD2 cause disease. This variant is present in population databases (rs571559366, gnomAD 0.02%). This variant has not been reported in the literature in individuals affected with NOD2-related conditions. ClinVar contains an entry for this variant (Variation ID: 1060229). In summary, the available evidence is currently insufficient to determine the role of this variant in disease. Therefore, it has been classified as a Variant of Uncertain Significance.

Literature cited by the submitters: PubMed 11528384 (cited by Centre for Medical Genetics,  Mumbai); PubMed 16199547 (cited by Labcorp Genetics (formerly Invitae), Labcorp).